The following is an entry in ClinVar:

NM_001042492.3(NF1):c.2576G>A (p.Gly859Asp)

Gene: NF1 (neurofibromin 1; plus strand). Cytogenetic location: 17q11.2.
Variant type: single nucleotide variant.
Coding change: c.2576G>A on transcript NM_001042492.3 (MANE Select); coding-DNA position 2576, G replaced by A.
Protein change: p.Gly859Asp; replaces glycine 859 with aspartic acid.
Molecular consequence: missense variant.
Genome position (GRCh38, 1-based): chr17:31,229,191, G>A. VCF-style: chr17-31229191-G-A. GRCh37 (hg19) VCF-style: chr17-29556209-G-A.
Other names: c.2576G>A, p.Gly859Asp (NM_000267.4); short protein forms G859D.
Identifiers: ClinVar variation 2882605 (VCV002882605.4), dbSNP rs876659829, ClinGen allele CA398984356.

ClinVar aggregate classification (germline): Uncertain significance. Review status: criteria provided, multiple submitters, no conflicts (2 of 4 stars). 2 submissions from 2 submitters: Uncertain significance (2). Last evaluated 2025-03-24.

Conditions:
Cardiovascular phenotype. Identifiers: MedGen CN230736.
Hereditary cancer-predisposing syndrome. Also called: Hereditary Cancer Syndrome; Hereditary neoplastic syndrome; Neoplastic Syndromes, Hereditary; Tumor predisposition. Identifiers: Orphanet 140162, MedGen C0027672, MeSH D009386, MONDO:0015356.
Neurofibromatosis, type 1 (NF1). Also called: Peripheral type neurofibromatosis; Neurofibromatosis, type I; VON RECKLINGHAUSEN DISEASE; NEUROFIBROMATOSIS, TYPE I, SOMATIC. Identifiers: Orphanet 636, MedGen C0027831, MONDO:0018975, OMIM 162200. Disease mechanism: loss of function.

Submissions (2):

Ambry Genetics
Classification: Uncertain significance for Cardiovascular phenotype; Hereditary cancer-predisposing syndrome. Last evaluated: 2025-03-24. Review status: criteria provided, single submitter. Criteria: Ambry Variant Classification Scheme 2023. Collection method: clinical testing. Allele origin: germline.
Comment: The p.G859D variant (also known as c.2576G>A), located in coding exon 21 of the NF1 gene, results from a G to A substitution at nucleotide position 2576. The glycine at codon 859 is replaced by aspartic acid, an amino acid with similar properties. This amino acid position is conserved. In addition, this alteration is predicted to be tolerated by in silico analysis. Based on the available evidence, the clinical significance of this variant remains unclear.

Labcorp Genetics (formerly Invitae), Labcorp
Classification: Uncertain significance for Neurofibromatosis, type 1. Last evaluated: 2023-12-31. Review status: criteria provided, single submitter. Criteria: Invitae Variant Classification Sherloc (09022015). Collection method: clinical testing. Allele origin: germline.
Comment: This sequence change replaces glycine, which is neutral and non-polar, with aspartic acid, which is acidic and polar, at codon 859 of the NF1 protein (p.Gly859Asp). This variant is not present in population databases (gnomAD no frequency). This variant has not been reported in the literature in individuals affected with NF1-related conditions. Advanced modeling of protein sequence and biophysical properties (such as structural, functional, and spatial information, amino acid conservation, physicochemical variation, residue mobility, and thermodynamic stability) performed at Invitae indicates that this missense variant is not expected to disrupt NF1 protein function with a negative predictive value of 95%. In summary, the available evidence is currently insufficient to determine the role of this variant in disease. Therefore, it has been classified as a Variant of Uncertain Significance.